The following is an entry in ClinVar:

NM_002474.3(MYH11):c.3844G>A (p.Val1282Ile)

Gene: MYH11 (myosin heavy chain 11; minus strand). Cytogenetic location: 16p13.11.
Variant type: single nucleotide variant.
Coding change: c.3844G>A on transcript NM_002474.3 (MANE Select); coding-DNA position 3844, G replaced by A.
Protein change: p.Val1282Ile; replaces valine 1282 with isoleucine.
Molecular consequence: missense variant.
Genome position (GRCh38, 1-based): chr16:15,726,862, C>T on the plus strand (G>A on the coding strand, the complement: MYH11 is on the minus strand). VCF-style: chr16-15726862-C-T. GRCh37 (hg19) VCF-style: chr16-15820719-C-T.
Other names: c.3865G>A, p.Val1289Ile (NM_001040113.2, NM_001040114.2); c.3844G>A, p.Val1282Ile (NM_022844.3); short protein forms V1282I, V1289I.
Identifiers: ClinVar variation 451852 (VCV000451852.9), dbSNP rs763285173, ClinGen allele CA394859953.
Genomic context (GRCh38, chr16:15,726,862, plus strand): 5'-GGCACCACCCAGCACTGCCCACCACACCACCGCGCCACCTCCTCACCTGCAGCTTGTGGA[C>T]TTTGTCATTGAGCTCCGCCCGGGCCCGCTCCCCATCGCTGCACTTGGACTGCAGCTCCTG-3'
Protein context (NP_002465.1, residues 1272-1292): ERARAELNDK[Val1282Ile]HKLQNEVESV

ClinVar aggregate classification (germline): Uncertain significance. Review status: criteria provided, multiple submitters, no conflicts (2 of 4 stars). 5 submissions from 5 submitters: Uncertain significance (5). Last evaluated 2026-06-14.

Conditions:
Aortic aneurysm, familial thoracic 4 (AAT4). Also called: AORTIC ANEURYSM/AORTIC DISSECTION AND PATENT DUCTUS ARTERIOSUS. Identifiers: MedGen C1851504, MONDO:0007568, OMIM 132900.
Visceral myopathy 2. Identifiers: MedGen C5543466, MONDO:0859157, OMIM 619350.
Megacystis-microcolon-intestinal hypoperistalsis syndrome 2. Identifiers: MedGen C5543476, MONDO:0025708, OMIM 619351.
Familial thoracic aortic aneurysm and aortic dissection (TAAD). Also called: Thoracic aortic aneurysms and dissections. Identifiers: Orphanet 91387, MedGen C4707243, MONDO:0019625.

Allele frequency attached by ClinVar (database versions not stated): gnomAD 0.00001.

Submissions (5):

Ambry Genetics
Classification: Uncertain significance for Familial thoracic aortic aneurysm and aortic dissection. Last evaluated: 2026-06-14. Review status: criteria provided, single submitter. Criteria: Ambry Variant Classification Scheme 2023. Collection method: clinical testing. Allele origin: germline.
Comment: The p.V1282I variant (also known as c.3844G>A), located in coding exon 27 of the MYH11 gene, results from a G to A substitution at nucleotide position 3844. The valine at codon 1282 is replaced by isoleucine, an amino acid with highly similar properties. This amino acid position is conserved. In addition, this alteration is predicted to be tolerated by in silico analysis. Based on the available evidence, the clinical significance of this variant remains unclear.

Color Diagnostics, LLC DBA Color Health
Classification: Uncertain significance for Familial thoracic aortic aneurysm and aortic dissection. Last evaluated: 2025-05-21. Review status: criteria provided, single submitter. Criteria: ACMG Guidelines, 2015. Collection method: clinical testing. Allele origin: germline.
Comment: This missense variant replaces valine with isoleucine at codon 1289 of the MYH11 protein. Computational prediction suggests that this variant may not impact protein structure and function. To our knowledge, functional studies have not been reported for this variant. This variant has not been reported in individuals affected with MYH11-related disorders in the literature. This variant has been identified in 1/281024 chromosomes in the general population by the Genome Aggregation Database (gnomAD). The available evidence is insufficient to determine the role of this variant in disease conclusively. Therefore, this variant is classified as a Variant of Uncertain Significance.

All of Us Research Program, National Institutes of Health
Classification: Uncertain significance for Familial thoracic aortic aneurysm and aortic dissection. Last evaluated: 2023-06-08. Review status: criteria provided, single submitter. Criteria: ACMG Guidelines, 2015. Collection method: clinical testing. Allele origin: germline. Inheritance: Autosomal dominant inheritance. Observed: 2 variant alleles, 2 heterozygotes.
Comment: This missense variant replaces valine with isoleucine at codon 1289 of the MYH11 protein. Computational prediction suggests that this variant may not impact protein structure and function (internally defined REVEL score threshold <= 0.5, PMID: 27666373). To our knowledge, functional studies have not been reported for this variant. This variant has not been reported in individuals affected with MYH11-related disorders in the literature. This variant has been identified in 1/281024 chromosomes in the general population by the Genome Aggregation Database (gnomAD). The available evidence is insufficient to determine the role of this variant in disease conclusively. Therefore, this variant is classified as a Variant of Uncertain Significance.

This study involves interpretation of variants in research participants for the purpose of population health screening. Participant phenotype was not available at the time of variant classification. Additional details can be found in publication PMID: 35346344, PMCID: PMC8962531

Fulgent Genetics
Classification: Uncertain significance for Aortic aneurysm, familial thoracic 4; Visceral myopathy 2; Megacystis-microcolon-intestinal hypoperistalsis syndrome 2. Last evaluated: 2021-12-03. Review status: criteria provided, single submitter. Criteria: ACMG Guidelines, 2015. Collection method: clinical testing. Allele origin: unknown.

GeneDx
Classification: Uncertain significance. Last evaluated: 2020-01-27. Review status: criteria provided, single submitter. Criteria: GeneDx Variant Classification Process June 2021. Collection method: clinical testing. Allele origin: germline. Affected: yes.
Comment: Has not been previously published as pathogenic or benign to our knowledge; Not observed at a significant frequency in large population cohorts (Lek et al., 2016); In silico analysis, which includes protein predictors and evolutionary conservation, supports that this variant does not alter protein structure/function